The following is an entry in ClinVar:

ClinVar aggregate classification (germline): Uncertain significance (1 of 4 stars; one submission).

Conditions:
Thrombophilia due to activated protein C resistance (THPH2). Also called: Activated protein C resistance; Hereditary Resistance to Activated Protein C; PCCF DEFICIENCY; PROC COFACTOR DEFICIENCY; THROMBOPHILIA DUE TO DEFICIENCY OF ACTIVATED PROTEIN C COFACTOR; THROMBOPHILIA V. Identifiers: MedGen C1861171, MONDO:0008560, OMIM 188055. Disease mechanism: gain of function, loss of function.

Allele frequency attached by ClinVar (database versions not stated): TOPMed 0.00002; gnomAD 0.00005; ESP Exome Variant Server 0.00008.

Submission:

ISTH-SSC Genomics in Thrombosis and Hemostasis, KU Leuven, Center for Molecular and Vascular Biology
Classification: Uncertain significance for Thrombophilia due to activated protein C resistance. Review status: criteria provided, single submitter. Criteria: ACMG Guidelines, 2015. Collection method: clinical testing. Allele origin: germline. Affected: yes. Observed: 1 heterozygote.
Comment: Submitted to the GoldVariant database by Kathleen Freson, Center for Molecular and Vascular Biology

NM_000130.5(F5):c.244A>G (p.Ile82Val)

Gene: F5 (coagulation factor V; minus strand). Cytogenetic location: 1q24.2.
Variant type: single nucleotide variant.
Coding change: c.244A>G on transcript NM_000130.5 (MANE Select); coding-DNA position 244, A replaced by G.
Protein change: p.Ile82Val; replaces isoleucine 82 with valine.
Molecular consequence: missense variant.
Genome position (GRCh38, 1-based): chr1:169,582,437, T>C on the plus strand (A>G on the coding strand, the complement: F5 is on the minus strand). VCF-style: chr1-169582437-T-C. GRCh37 (hg19) VCF-style: chr1-169551675-T-C.
Other names: short protein forms I82V.
Identifiers: ClinVar variation 2572148 (VCV002572148.1), dbSNP rs377674263, ClinGen allele CA1234693.